The following is an entry in ClinVar:

ClinVar aggregate classification (germline): Likely pathogenic (1 of 4 stars; one submission).

Submission:

Dubai Health Genomic Medicine Center, Dubai Health
Classification: Likely pathogenic. Last evaluated: 2020-12-17. Review status: criteria provided, single submitter. Criteria: ACMG Guidelines, 2015. Collection method: clinical testing. Allele origin: germline. Affected: yes.
Comment: The c.5326-1G>A variant in WDR81 has not been previously reported in individuals with disease and was absent from large population studies such as the Genome Aggregation Database (gnomAD) and the Greater Middle East (GME) variome database. This variant occurs in the invariant region (+/- 1/2) of the splice consensus sequence and is predicted to cause altered splicing leading to an abnormal or absent protein. Other missense and loss of function variants in the exon where the c.5326-1G>A variant is located (exon 9) have been reported affected individuals in the Human Gene Mutation Database (HGMD). In summary this variant meets our criteria to be classified as likely pathogenic.

NM_001163809.2(WDR81):c.5326-1G>A

Gene: WDR81 (WD repeat domain 81; plus strand). Cytogenetic location: 17p13.3.
Variant type: single nucleotide variant.
Coding change: c.5326-1G>A on transcript NM_001163809.2 (MANE Select); the canonical splice acceptor site of the intron before coding-DNA position 5326, G replaced by A.
Molecular consequence: splice acceptor variant.
Genome position (GRCh38, 1-based): chr17:1,736,038, G>A. VCF-style: chr17-1736038-G-A. GRCh37 (hg19) VCF-style: chr17-1639332-G-A.
Other names: c.2173-1G>A (NM_152348.4); c.1717-1G>A (NM_001163673.2); c.1645-1G>A (NM_001163811.2).
Identifiers: ClinVar variation 1301585 (VCV001301585.2), dbSNP rs2151177215, ClinGen allele CA397547885.